The following is an entry in ClinVar:

ClinVar aggregate classification (germline): Uncertain significance (1 of 4 stars; one submission).

Conditions:
Hereditary cancer-predisposing syndrome. Also called: Tumor predisposition; Hereditary Cancer Syndrome; Hereditary neoplastic syndrome; Neoplastic Syndromes, Hereditary. Identifiers: Orphanet 140162, MedGen C0027672, MeSH D009386, MONDO:0015356.

Submission:

Ambry Genetics
Classification: Uncertain significance for Hereditary cancer-predisposing syndrome. Last evaluated: 2023-07-15. Review status: criteria provided, single submitter. Criteria: Ambry Variant Classification Scheme 2023. Collection method: clinical testing. Allele origin: germline.
Comment: The p.G711D variant (also known as c.2132G>A), located in coding exon 19 of the TSC2 gene, results from a G to A substitution at nucleotide position 2132. The glycine at codon 711 is replaced by aspartic acid, an amino acid with similar properties. This amino acid position is conserved. In addition, the in silico prediction for this alteration is inconclusive. Since supporting evidence is limited at this time, the clinical significance of this alteration remains unclear.

NM_000548.5(TSC2):c.2132G>A (p.Gly711Asp)

Gene: TSC2 (TSC complex subunit 2; plus strand). Cytogenetic location: 16p13.3.
Variant type: single nucleotide variant.
Coding change: c.2132G>A on transcript NM_000548.5 (MANE Select); coding-DNA position 2132, G replaced by A.
Protein change: p.Gly711Asp; replaces glycine 711 with aspartic acid.
Molecular consequence: missense variant. On other transcripts: non-coding transcript variant (5).
Genome position (GRCh38, 1-based): chr16:2,072,275, G>A. VCF-style: chr16-2072275-G-A. GRCh37 (hg19) VCF-style: chr16-2122276-G-A.
Other names: c.2132G>A, p.Gly711Asp (NM_001077183.3, NM_001114382.3, NM_001363528.2 and 6 more transcripts); c.2021G>A, p.Gly674Asp (NM_001318827.2, NM_001406670.1, NM_001406678.1); c.1985G>A, p.Gly662Asp (NM_001318829.2, NM_001406675.1, NM_001406676.1 and 1 more transcripts); c.1532G>A, p.Gly511Asp (NM_001318831.2, NM_001406680.1, NM_001406682.1 and 6 more transcripts); c.2165G>A, p.Gly722Asp (NM_001318832.2); c.2222G>A, p.Gly741Asp (NM_001406667.1, NM_001406668.1); c.2120G>A, p.Gly707Asp (NM_001406671.1, NM_001406673.1); c.2075G>A, p.Gly692Asp (NM_001406677.1); and 3 more; short protein forms G177D, G674D, G692D, G707D, G741D, G662D, G557D, G263D.
Identifiers: ClinVar variation 2624601 (VCV002624601.2), dbSNP rs2088567807, ClinGen allele CA394274814.
Genomic context (GRCh38, chr16:2,072,275, plus strand): 5'-TGTCCTGACGCCTCCTCTCCTCGCAGGAGTCTGACTGGAAGGTGCTGAAGCTGGTTCTGG[G>A]CAGGCTGCCTGAGTCCCTGCGCTATAAAGTGCTCATCTTTACTTCCCCTTGCAGTGTGGA-3'
Protein context (NP_000539.2, residues 701-721): SDWKVLKLVL[Gly711Asp]RLPESLRYKV